The following is an entry in ClinVar:

NM_000237.3(LPL):c.938T>C (p.Leu313Pro)

Gene: LPL (lipoprotein lipase; plus strand). Cytogenetic location: 8p21.3.
Variant type: single nucleotide variant.
Coding change: c.938T>C on transcript NM_000237.3 (MANE Select); coding-DNA position 938, T replaced by C.
Protein change: p.Leu313Pro; replaces leucine 313 with proline.
Molecular consequence: missense variant.
Genome position (GRCh38, 1-based): chr8:19,956,003, T>C. VCF-style: chr8-19956003-T-C. GRCh37 (hg19) VCF-style: chr8-19813514-T-C.
Other names: short protein forms L313P.
Identifiers: ClinVar variation 2136644 (VCV002136644.4), dbSNP rs2540107240, ClinGen allele CA370469288.

ClinVar aggregate classification (germline): Likely pathogenic (1 of 4 stars; one submission).

Submission:

Labcorp Genetics (formerly Invitae), Labcorp
Classification: Likely pathogenic. Last evaluated: 2022-02-03. Review status: criteria provided, single submitter. Criteria: Invitae Variant Classification Sherloc (09022015). Collection method: clinical testing. Allele origin: germline.
Comment: This sequence change replaces leucine, which is neutral and non-polar, with proline, which is neutral and non-polar, at codon 313 of the LPL protein (p.Leu313Pro). In summary, the currently available evidence indicates that the variant is pathogenic, but additional data are needed to prove that conclusively. Therefore, this variant has been classified as Likely Pathogenic. Experimental studies have shown that this missense change affects LPL function (PMID: 8778602). Algorithms developed to predict the effect of missense changes on protein structure and function (SIFT, PolyPhen-2, Align-GVGD) all suggest that this variant is likely to be disruptive. This variant is also known as p.Leu286Pro. This missense change has been observed in individual(s) with chylomicronemia (PMID: 8778602). In at least one individual the data is consistent with being in trans (on the opposite chromosome) from a pathogenic variant. This variant is not present in population databases (gnomAD no frequency).

Literature cited by the submitters: PubMed 8778602.